The following is an entry in ClinVar:

ClinVar aggregate classification (germline): Uncertain significance. Review status: criteria provided, multiple submitters, no conflicts (2 of 4 stars). 5 submissions from 5 submitters: Uncertain significance (5). Last evaluated 2026-01-29.

Conditions:
Familial adenomatous polyposis 1 (FAP1). Also called: POLYPOSIS, ADENOMATOUS INTESTINAL; FAMILIAL ADENOMATOUS POLYPOSIS 1, ATTENUATED. Identifiers: MedGen C2713442, MONDO:0021056, OMIM 175100. Disease mechanism: loss of function.
Classic or attenuated familial adenomatous polyposis. Identifiers: MedGen CN372698, MONDO:0021057.
Hereditary cancer-predisposing syndrome. Also called: Hereditary Cancer Syndrome; Neoplastic Syndromes, Hereditary; Tumor predisposition; Hereditary neoplastic syndrome. Identifiers: Orphanet 140162, MedGen C0027672, MeSH D009386, MONDO:0015356.

Allele frequency attached by ClinVar (database versions not stated): gnomAD exomes below 0.00001; TOPMed below 0.00001; gnomAD 0.00001.

Submissions (5):

Labcorp Genetics (formerly Invitae), Labcorp
Classification: Uncertain significance for Familial adenomatous polyposis 1. Last evaluated: 2026-01-29. Review status: criteria provided, single submitter. Criteria: Invitae Variant Classification Sherloc (09022015). Collection method: clinical testing. Allele origin: germline.
Comment: This variant, c.5102_5104del, is a complex sequence change that results in the deletion of 2 and insertion of 1 amino acid(s) in the APC protein (p.Gln1701_Gly1702delinsArg). This variant is not present in population databases (gnomAD no frequency). This variant has not been reported in the literature in individuals affected with APC-related conditions. ClinVar contains an entry for this variant (Variation ID: 489464). Experimental studies and prediction algorithms are not available or were not evaluated, and the functional significance of this variant is currently unknown. In summary, the available evidence is currently insufficient to determine the role of this variant in disease. Therefore, it has been classified as a Variant of Uncertain Significance.

All of Us Research Program, National Institutes of Health
Classification: Uncertain significance for Classic or attenuated familial adenomatous polyposis. Last evaluated: 2024-02-05. Review status: criteria provided, single submitter. Criteria: ACMG Guidelines, 2015. Collection method: clinical testing. Allele origin: germline. Inheritance: Autosomal dominant inheritance. Observed: 1 variant allele, 1 heterozygote.
Comment: This variant causes a deletion of three nucleotides located in exon 16 of the APC gene, replacing two amino acids Glutamine and Glycine with an Arginine. To our knowledge, functional studies have not been reported for this variant. This variant has not been reported in individuals affected with APC-related disorders in the literature. This variant has not been identified in the general population by the Genome Aggregation Database (gnomAD). The available evidence is insufficient to determine the role of this variant in disease conclusively. Therefore, this variant is classified as a Variant of Uncertain Significance.

This study involves interpretation of variants in research participants for the purpose of population health screening. Participant phenotype was not available at the time of variant classification. Additional details can be found in publication PMID: 35346344, PMCID: PMC8962531

GeneDx
Classification: Uncertain significance. Last evaluated: 2023-12-23. Review status: criteria provided, single submitter. Criteria: GeneDx Variant Classification Process June 2021. Collection method: clinical testing. Allele origin: germline. Affected: yes.
Comment: Not observed at significant frequency in large population cohorts (gnomAD); In-frame deletion of two amino acids and the insertion of one in a non-repeat region; In silico analysis supports that this variant does not alter protein structure/function; Has not been previously published as pathogenic or benign to our knowledge; This variant is associated with the following publications: (PMID: 18199528)

Ambry Genetics
Classification: Uncertain significance for Hereditary cancer-predisposing syndrome. Last evaluated: 2023-11-29. Review status: criteria provided, single submitter. Criteria: Ambry Variant Classification Scheme 2023. Collection method: clinical testing. Allele origin: germline.
Comment: The c.5102_5104delAAG variant (also known as p.Q1701_G1702delinsR) is located in coding exon 15 of the APC gene. This variant results from an in-frame AAG deletion at nucleotide positions 5102 to 5104. The amino acids at codons 1701 and 1702 are deleted and replaced by an arginine. These amino acid positions are not well conserved in available vertebrate species. In addition, this alteration is predicted to be neutral by in silico analysis (Choi Y et al. PLoS ONE. 2012; 7(10):e46688). Since supporting evidence is limited at this time, the clinical significance of this alteration remains unclear.

Color Diagnostics, LLC DBA Color Health
Classification: Uncertain significance for Hereditary cancer-predisposing syndrome. Last evaluated: 2023-06-27. Review status: criteria provided, single submitter. Criteria: ACMG Guidelines, 2015. Collection method: clinical testing. Allele origin: germline.
Comment: This variant causes a deletion of three nucleotides located in exon 16 of the APC gene, replacing two amino acids Glutamine and Glycine with an Arginine. To our knowledge, functional studies have not been reported for this variant. This variant has not been reported in individuals affected with APC-related disorders in the literature. This variant has not been identified in the general population by the Genome Aggregation Database (gnomAD). The available evidence is insufficient to determine the role of this variant in disease conclusively. Therefore, this variant is classified as a Variant of Uncertain Significance.

NM_000038.6(APC):c.5102_5104del (p.Gln1701_Gly1702delinsArg)

Gene: APC (APC regulator of Wnt signaling pathway; plus strand). Cytogenetic location: 5q22.2.
Variant type: Deletion.
Coding change: c.5102_5104del on transcript NM_000038.6 (MANE Select); coding-DNA positions 5102 to 5104, 3 bases deleted (AAG; older notation c.5102_5104delAAG).
Protein change: p.Gln1701_Gly1702delinsArg.
Molecular consequence: inframe indel.
Genome position (GRCh38, 1-based): chr5:112,840,696-112,840,698, AAG deleted. VCF-style (leftmost placement, unchanged base first): chr5-112840695-CAAG-C. GRCh37 (hg19) VCF-style: chr5-112176392-CAAG-C.
Other names: c.5102_5104del, p.Gln1701_Gly1702delinsArg (NM_001127510.3, NM_001354895.2); c.5048_5050del, p.Gln1683_Gly1684delinsArg (NM_001127511.3); c.5156_5158del, p.Gln1719_Gly1720delinsArg (NM_001354896.2); c.5132_5134del, p.Gln1711_Gly1712delinsArg (NM_001354897.2); c.5027_5029del, p.Gln1676_Gly1677delinsArg (NM_001354898.2); c.5018_5020del, p.Gln1673_Gly1674delinsArg (NM_001354899.2); c.4979_4981del, p.Gln1660_Gly1661delinsArg (NM_001354900.2); c.4925_4927del, p.Gln1642_Gly1643delinsArg (NM_001354901.2); and 6 more.
Identifiers: ClinVar variation 489464 (VCV000489464.15), dbSNP rs1554086446, ClinGen allele CA658683425.